The following is an entry in ClinVar:

NM_000334.4(SCN4A):c.3662T>C (p.Leu1221Pro)

Genes: GH-LCR (growth hormone locus control region; plus strand), SCN4A (sodium voltage-gated channel alpha subunit 4; minus strand). Cytogenetic location: 17q23.3.
Variant type: single nucleotide variant.
Coding change: c.3662T>C on transcript NM_000334.4 (MANE Select); coding-DNA position 3662, T replaced by C.
Protein change: p.Leu1221Pro; replaces leucine 1221 with proline.
Molecular consequence: missense variant.
Genome position (GRCh38, 1-based): chr17:63,945,418, A>G on the plus strand (T>C on the coding strand, the complement: SCN4A is on the minus strand). VCF-style: chr17-63945418-A-G. GRCh37 (hg19) VCF-style: chr17-62022778-A-G.
Other names: short protein forms L1221P.
Identifiers: ClinVar variation 4747003 (VCV004747003.1).

ClinVar aggregate classification (germline): Uncertain significance (1 of 4 stars; one submission).

Conditions:
Hyperkalemic periodic paralysis. Also called: Familial hyperkalemic periodic paralysis; Gamstorp disease. Identifiers: Orphanet 682, MedGen C0238357, MONDO:0008224, OMIM 170500, HP:0007215.

Submission:

Labcorp Genetics (formerly Invitae), Labcorp
Classification: Uncertain significance for Hyperkalemic periodic paralysis. Last evaluated: 2025-07-29. Review status: criteria provided, single submitter. Criteria: Invitae Variant Classification Sherloc (09022015). Collection method: clinical testing. Allele origin: germline.
Comment: This sequence change replaces leucine, which is neutral and non-polar, with proline, which is neutral and non-polar, at codon 1221 of the SCN4A protein (p.Leu1221Pro). This variant is not present in population databases (gnomAD no frequency). This variant has not been reported in the literature in individuals affected with SCN4A-related conditions. Invitae Evidence Modeling of protein sequence and biophysical properties (such as structural, functional, and spatial information, amino acid conservation, physicochemical variation, residue mobility, and thermodynamic stability) indicates that this missense variant is not expected to disrupt SCN4A protein function with a negative predictive value of 95%. In summary, the available evidence is currently insufficient to determine the role of this variant in disease. Therefore, it has been classified as a Variant of Uncertain Significance.